The following is an entry in ClinVar:

ClinVar aggregate classification (germline): Conflicting classifications of pathogenicity. Review status: criteria provided, conflicting classifications (1 of 4 stars). 4 submissions from 4 submitters: Uncertain significance (3); Likely benign (1). Last evaluated 2026-01-28.

Conditions:
Weill-Marchesani 4 syndrome, recessive. Also called: Weill-Marchesani syndrome 4. Identifiers: Orphanet 363992, MedGen C2750787, MONDO:0013176, OMIM 613195.

Allele frequency attached by ClinVar (database versions not stated): 1000 Genomes Project 30x 0.00016; 1000 Genomes Project 0.00020; ESP Exome Variant Server 0.00092; TOPMed 0.00130.
gnomAD v4.1: 352 of 1,614,180 alleles (0.022%); highest among the groups gnomAD compares: African/African-American, 0.38%; 2 homozygotes.

Submissions (4):

Labcorp Genetics (formerly Invitae), Labcorp
Classification: Likely benign. Last evaluated: 2026-01-28. Review status: criteria provided, single submitter. Criteria: Invitae Variant Classification Sherloc (09022015). Collection method: clinical testing. Allele origin: germline.

GeneDx
Classification: Uncertain significance. Last evaluated: 2024-01-02. Review status: criteria provided, single submitter. Criteria: GeneDx Variant Classification Process June 2021. Collection method: clinical testing. Allele origin: germline. Affected: yes.
Comment: In silico analysis supports that this missense variant has a deleterious effect on protein structure/function; Has not been previously published as pathogenic or benign to our knowledge

Center for Genomics, Ann and Robert H. Lurie Children's Hospital of Chicago
Classification: Uncertain significance for Weill-Marchesani 4 syndrome, recessive. Last evaluated: 2021-11-02. Review status: criteria provided, single submitter. Criteria: ACMG Guidelines, 2015. Collection method: clinical testing. Allele origin: germline.
Comment: ADAMTS17 NM_139057.4 exon 17 p.Pro783Leu (c.2348C>T): This variant has not been reported in the literature but is present in 0.4% (171/41430) of African alleles, including one homozygote, in the Genome Aggregation Database. This variant is present in ClinVar (Variation ID:884611). Evolutionary conservation and computational predictive tools suggest that this variant may impact the protein. In summary, data on this variant suggests that this variant does not cause disease but requires further evidence. Therefore, this variant is classified as uncertain significance.

Illumina Laboratory Services, Illumina
Classification: Uncertain significance for Weill-Marchesani 4 syndrome, recessive. Last evaluated: 2018-01-12. Review status: criteria provided, single submitter. Criteria: ICSL Variant Classification Criteria 13 December 2019. Collection method: clinical testing. Allele origin: germline.

NM_139057.4(ADAMTS17):c.2348C>T (p.Pro783Leu)

Gene: ADAMTS17 (ADAM metallopeptidase with thrombospondin type 1 motif 17; minus strand). Cytogenetic location: 15q26.3.
Variant type: single nucleotide variant.
Coding change: c.2348C>T on transcript NM_139057.4 (MANE Select); coding-DNA position 2348, C replaced by T.
Protein change: p.Pro783Leu; replaces proline 783 with leucine.
Molecular consequence: missense variant.
Genome position (GRCh38, 1-based): chr15:100,051,679, G>A on the plus strand (C>T on the coding strand, the complement: ADAMTS17 is on the minus strand). VCF-style: chr15-100051679-G-A. GRCh37 (hg19) VCF-style: chr15-100591884-G-A.
Other names: short protein forms P783L.
Identifiers: ClinVar variation 884611 (VCV000884611.12), dbSNP rs144007074, ClinGen allele CA7757765.